The following is an entry in ClinVar:

NM_001256317.3(TMPRSS3):c.458C>G (p.Ser153Ter)

Gene: TMPRSS3 (transmembrane serine protease 3; minus strand). Cytogenetic location: 21q22.3.
Variant type: single nucleotide variant.
Coding change: c.458C>G on transcript NM_001256317.3 (MANE Select); coding-DNA position 458, C replaced by G.
Protein change: p.Ser153Ter; replaces serine 153 with a stop codon.
Molecular consequence: nonsense.
Genome position (GRCh38, 1-based): chr21:42,385,523, G>C on the plus strand (C>G on the coding strand, the complement: TMPRSS3 is on the minus strand). VCF-style: chr21-42385523-G-C. GRCh37 (hg19) VCF-style: chr21-43805632-G-C.
Other names: c.458C>G (NM_024022.2); c.458C>G, p.Ser153Ter (NM_024022.4, NM_032405.2); c.77C>G, p.Ser26Ter (NM_032404.3); short protein forms S26*, S153*.
Identifiers: ClinVar variation 2882012 (VCV002882012.4), dbSNP rs909821850, ClinGen allele CA321546197.

ClinVar aggregate classification (germline): Pathogenic/Likely pathogenic. Review status: criteria provided, multiple submitters, no conflicts (2 of 4 stars). 3 submissions from 3 submitters: Pathogenic (2); Likely pathogenic (1). Last evaluated 2025-08-15.

Conditions:
TMPRSS3-related disorder. Also called: TMPRSS3-related condition.

Allele frequency attached by ClinVar (database versions not stated): gnomAD 0.00001; gnomAD exomes 0.00001; TOPMed 0.00001.
gnomAD v4.1: 6 of 1,614,012 alleles (0.00037%); highest among the groups gnomAD compares: Admixed American, 0.0017%; no homozygotes.

Submissions (3):

GeneDx
Classification: Pathogenic. Last evaluated: 2025-08-15. Review status: criteria provided, single submitter. Criteria: GeneDx Variant Classification Process June 2021. Collection method: clinical testing. Allele origin: germline. Affected: yes.
Comment: Nonsense variant predicted to result in protein truncation or nonsense mediated decay in a gene for which loss of function is a known mechanism of disease; Not observed at significant frequency in large population cohorts (gnomAD); Has not been previously published as pathogenic or benign to our knowledge

Labcorp Genetics (formerly Invitae), Labcorp
Classification: Pathogenic. Last evaluated: 2023-12-19. Review status: criteria provided, single submitter. Criteria: Invitae Variant Classification Sherloc (09022015). Collection method: clinical testing. Allele origin: germline.
Comment: This sequence change creates a premature translational stop signal (p.Ser153*) in the TMPRSS3 gene. It is expected to result in an absent or disrupted protein product. Loss-of-function variants in TMPRSS3 are known to be pathogenic (PMID: 16021470, 26969326). This variant is present in population databases (no rsID available, gnomAD 0.0009%). This variant has not been reported in the literature in individuals affected with TMPRSS3-related conditions. Algorithms developed to predict the effect of sequence changes on RNA splicing suggest that this variant may disrupt the consensus splice site. For these reasons, this variant has been classified as Pathogenic.

Blueprint Genetics
Classification: Likely pathogenic for TMPRSS3-related disorders. Last evaluated: 2021-01-25. Review status: criteria provided, single submitter. Criteria: ACMG Guidelines, 2015. Collection method: clinical testing. Allele origin: germline. Affected: yes. Observed: 4 variant alleles.

Literature cited by the submitters: PubMed 16021470 (cited by Labcorp Genetics (formerly Invitae), Labcorp); PubMed 26969326 (cited by Labcorp Genetics (formerly Invitae), Labcorp).